The following is an entry in ClinVar:

ClinVar aggregate classification (germline): Uncertain significance. Review status: criteria provided, multiple submitters, no conflicts (2 of 4 stars). 2 submissions from 2 submitters: Uncertain significance (2). Last evaluated 2025-04-05.

Conditions:
Fanconi anemia (FA). Also called: Fanconi's anemia. Identifiers: Orphanet 84, MedGen C0015625, MeSH D005199, MONDO:0019391.
Inborn genetic diseases. Identifiers: MedGen C0950123, MeSH D030342.

Allele frequency attached by ClinVar (database versions not stated): gnomAD 0.00001; TOPMed below 0.00001.
gnomAD v4.1: 1 of 1,612,900 alleles (0.000062%); highest among the groups gnomAD compares: Non-Finnish European, 0.000085%; no homozygotes.

Submissions (2):

Ambry Genetics
Classification: Uncertain significance for Inborn genetic diseases. Last evaluated: 2025-04-05. Review status: criteria provided, single submitter. Criteria: Ambry Variant Classification Scheme 2023. Collection method: clinical testing. Allele origin: germline.
Comment: The p.T176P variant (also known as c.526A>C), located in coding exon 2 of the FANCM gene, results from an A to C substitution at nucleotide position 526. The threonine at codon 176 is replaced by proline, an amino acid with highly similar properties. This amino acid position is conserved. In addition, this alteration is predicted to be tolerated by in silico analysis. Based on the available evidence, the clinical significance of this variant remains unclear.

Labcorp Genetics (formerly Invitae), Labcorp
Classification: Uncertain significance for Fanconi anemia. Last evaluated: 2022-08-18. Review status: criteria provided, single submitter. Criteria: Invitae Variant Classification Sherloc (09022015). Collection method: clinical testing. Allele origin: germline.
Comment: In summary, the available evidence is currently insufficient to determine the role of this variant in disease. Therefore, it has been classified as a Variant of Uncertain Significance. Algorithms developed to predict the effect of missense changes on protein structure and function (SIFT, PolyPhen-2, Align-GVGD) all suggest that this variant is likely to be tolerated. This variant has not been reported in the literature in individuals affected with FANCM-related conditions. This variant is not present in population databases (gnomAD no frequency). This sequence change replaces threonine, which is neutral and polar, with proline, which is neutral and non-polar, at codon 176 of the FANCM protein (p.Thr176Pro).

NM_020937.4(FANCM):c.526A>C (p.Thr176Pro)

Gene: FANCM (FA complementation group M; plus strand). Cytogenetic location: 14q21.2.
Variant type: single nucleotide variant.
Coding change: c.526A>C on transcript NM_020937.4 (MANE Select); coding-DNA position 526, A replaced by C.
Protein change: p.Thr176Pro; replaces threonine 176 with proline.
Molecular consequence: missense variant.
Genome position (GRCh38, 1-based): chr14:45,137,086, A>C. VCF-style: chr14-45137086-A-C. GRCh37 (hg19) VCF-style: chr14-45606289-A-C.
Other names: c.526A>C, p.Thr176Pro (NM_001308133.2, NM_001308134.2); short protein forms T176P.
Identifiers: ClinVar variation 2141235 (VCV002141235.4), dbSNP rs1885570773, ClinGen allele CA389588639.
Genomic context (GRCh38, chr14:45,137,086, plus strand): 5'-ACAGTCTGAAGTTTAGAATGTAGAATGTCACTTTTATTTTCAGGGTCTACACAAGCTTCC[A>C]CCAGGAAGGAAATATGGTGCAGTAAGAGAGTGCTTTTTCTTACACCTCAGGTCATGGTAA-3'
Protein context (NP_065988.1, residues 166-186): AEMTGSTQAS[Thr176Pro]RKEIWCSKRV